The following is an entry in ClinVar:

ClinVar aggregate classification (germline): Uncertain significance (1 of 4 stars; one submission).

Submission:

Labcorp Genetics (formerly Invitae), Labcorp
Classification: Uncertain significance. Last evaluated: 2023-09-22. Review status: criteria provided, single submitter. Criteria: Invitae Variant Classification Sherloc (09022015). Collection method: clinical testing. Allele origin: germline.
Comment: This sequence change replaces isoleucine, which is neutral and non-polar, with threonine, which is neutral and polar, at codon 1262 of the IGF1R protein (p.Ile1262Thr). In summary, the available evidence is currently insufficient to determine the role of this variant in disease. Therefore, it has been classified as a Variant of Uncertain Significance. Advanced modeling of protein sequence and biophysical properties (such as structural, functional, and spatial information, amino acid conservation, physicochemical variation, residue mobility, and thermodynamic stability) performed at Invitae indicates that this missense variant is expected to disrupt IGF1R protein function. This variant has not been reported in the literature in individuals affected with IGF1R-related conditions. This variant is not present in population databases (gnomAD no frequency).

NM_000875.5(IGF1R):c.3785T>C (p.Ile1262Thr)

Gene: IGF1R (insulin like growth factor 1 receptor; plus strand). Cytogenetic location: 15q26.3.
Variant type: single nucleotide variant.
Coding change: c.3785T>C on transcript NM_000875.5 (MANE Select); coding-DNA position 3785, T replaced by C.
Protein change: p.Ile1262Thr; replaces isoleucine 1262 with threonine.
Molecular consequence: missense variant.
Genome position (GRCh38, 1-based): chr15:98,957,123, T>C. VCF-style: chr15-98957123-T-C. GRCh37 (hg19) VCF-style: chr15-99500352-T-C.
Other names: c.3782T>C, p.Ile1261Thr (NM_001291858.2); short protein forms I1261T, I1262T.
Identifiers: ClinVar variation 2809286 (VCV002809286.3), dbSNP rs2506112941, ClinGen allele CA393668094.